The following is an entry in ClinVar:

NM_000038.6(APC):c.7891T>G (p.Ser2631Ala)

Gene: APC (APC regulator of Wnt signaling pathway; plus strand). Cytogenetic location: 5q22.2.
Variant type: single nucleotide variant.
Coding change: c.7891T>G on transcript NM_000038.6 (MANE Select); coding-DNA position 7891, T replaced by G.
Protein change: p.Ser2631Ala; replaces serine 2631 with alanine.
Molecular consequence: missense variant.
Genome position (GRCh38, 1-based): chr5:112,843,485, T>G. VCF-style: chr5-112843485-T-G. GRCh37 (hg19) VCF-style: chr5-112179182-T-G.
Other names: c.7891T>G, p.Ser2631Ala (NM_001127510.3, NM_001354895.2); c.7837T>G, p.Ser2613Ala (NM_001127511.3); c.7945T>G, p.Ser2649Ala (NM_001354896.2); c.7921T>G, p.Ser2641Ala (NM_001354897.2); c.7816T>G, p.Ser2606Ala (NM_001354898.2); c.7807T>G, p.Ser2603Ala (NM_001354899.2); c.7768T>G, p.Ser2590Ala (NM_001354900.2); c.7714T>G, p.Ser2572Ala (NM_001354901.2); and 5 more; short protein forms S2613A, S2631A, S2505A, S2641A, S2649A, S2530A, S2540A, S2348A.
Identifiers: ClinVar variation 411564 (VCV000411564.19), dbSNP rs1060503376, ClinGen allele CA16038474.

ClinVar aggregate classification (germline): Uncertain significance. Review status: criteria provided, multiple submitters, no conflicts (2 of 4 stars). 4 submissions from 4 submitters: Uncertain significance (4). Last evaluated 2024-03-06.

Conditions:
Familial adenomatous polyposis 1 (FAP1). Also called: FAMILIAL ADENOMATOUS POLYPOSIS 1, ATTENUATED; POLYPOSIS, ADENOMATOUS INTESTINAL. Identifiers: MedGen C2713442, MONDO:0021056, OMIM 175100. Disease mechanism: loss of function.
Hereditary cancer-predisposing syndrome. Also called: Tumor predisposition; Hereditary Cancer Syndrome; Hereditary neoplastic syndrome; Neoplastic Syndromes, Hereditary. Identifiers: Orphanet 140162, MedGen C0027672, MeSH D009386, MONDO:0015356.

Submissions (4):

Color Diagnostics, LLC DBA Color Health
Classification: Uncertain significance for Hereditary cancer-predisposing syndrome. Last evaluated: 2024-03-06. Review status: criteria provided, single submitter. Criteria: ACMG Guidelines, 2015. Collection method: clinical testing. Allele origin: germline.
Comment: This missense variant replaces serine with alanine at codon 2631 of the APC protein. Computational prediction suggests that this variant may not impact protein structure and function (internally defined REVEL score threshold <= 0.5, PMID: 27666373). To our knowledge, functional studies have not been reported for this variant. This variant has not been reported in individuals affected with hereditary cancer in the literature. This variant has not been identified in the general population by the Genome Aggregation Database (gnomAD). The available evidence is insufficient to determine the role of this variant in disease conclusively. Therefore, this variant is classified as a Variant of Uncertain Significance.

Ambry Genetics
Classification: Uncertain significance for Hereditary cancer-predisposing syndrome. Last evaluated: 2022-05-16. Review status: criteria provided, single submitter. Criteria: Ambry Variant Classification Scheme 2023. Collection method: clinical testing. Allele origin: germline.
Comment: The p.S2631A variant (also known as c.7891T>G), located in coding exon 15 of the APC gene, results from a T to G substitution at nucleotide position 7891. The serine at codon 2631 is replaced by alanine, an amino acid with similar properties. This amino acid position is conserved. In addition, in silico predictors for this gene do not accurately predict pathogenicity. Since supporting evidence is limited at this time, the clinical significance of this alteration remains unclear.

GeneDx
Classification: Uncertain significance. Last evaluated: 2020-07-15. Review status: criteria provided, single submitter. Criteria: GeneDx Variant Classification Process June 2021. Collection method: clinical testing. Allele origin: germline. Affected: yes.
Comment: Not observed in large population cohorts (Lek et al., 2016); In silico analysis supports that this missense variant does not alter protein structure/function; Has not been previously published as pathogenic or benign to our knowledge

Labcorp Genetics (formerly Invitae), Labcorp
Classification: Uncertain significance for Familial adenomatous polyposis 1. Last evaluated: 2019-11-28. Review status: criteria provided, single submitter. Criteria: Invitae Variant Classification Sherloc (09022015). Collection method: clinical testing. Allele origin: germline.
Comment: In summary, this variant is a novel missense change that is not predicted to affect protein function. There is no indication that it causes disease, but the available evidence is currently insufficient to prove that conclusively. Therefore, it has been classified as a Variant of Uncertain Significance. Algorithms developed to predict the effect of missense changes on protein structure and function (SIFT, PolyPhen-2, Align-GVGD) all suggest that this variant is likely to be tolerated, but these predictions have not been confirmed by published functional studies. This variant is not present in population databases (ExAC no frequency) and has not been reported in the literature in individuals with an APC-related disease. This sequence change replaces serine with alanine at codon 2631 of the APC protein (p.Ser2631Ala). The serine residue is highly conserved and there is a moderate physicochemical difference between serine and alanine.